The following is an entry in ClinVar:

NM_000179.3(MSH6):c.697C>T (p.Pro233Ser)

Gene: MSH6 (mutS homolog 6; plus strand). Cytogenetic location: 2p16.3.
Variant type: single nucleotide variant.
Coding change: c.697C>T on transcript NM_000179.3 (MANE Select); coding-DNA position 697, C replaced by T.
Protein change: p.Pro233Ser; replaces proline 233 with serine.
Molecular consequence: missense variant. On other transcripts: 5 prime UTR variant (2).
Genome position (GRCh38, 1-based): chr2:47,798,680, C>T. VCF-style: chr2-47798680-C-T. GRCh37 (hg19) VCF-style: chr2-48025819-C-T.
Other names: c.307C>T, p.Pro103Ser (NM_001281492.2); c.-210C>T (NM_001281493.2, NM_001281494.2); short protein forms P103S, P233S.
Identifiers: ClinVar variation 1484102 (VCV001484102.8), dbSNP rs2104291771, ClinGen allele CA346739963.

ClinVar aggregate classification (germline): Uncertain significance (1 of 4 stars; one submission).

Conditions:
Hereditary nonpolyposis colorectal neoplasms. Identifiers: MedGen C0009405, MeSH D003123.

Submission:

Labcorp Genetics (formerly Invitae), Labcorp
Classification: Uncertain significance for Hereditary nonpolyposis colorectal neoplasms. Last evaluated: 2021-06-14. Review status: criteria provided, single submitter. Criteria: Invitae Variant Classification Sherloc (09022015). Collection method: clinical testing. Allele origin: germline.
Comment: In summary, the available evidence is currently insufficient to determine the role of this variant in disease. Therefore, it has been classified as a Variant of Uncertain Significance. Advanced modeling of protein sequence and biophysical properties (such as structural, functional, and spatial information, amino acid conservation, physicochemical variation, residue mobility, and thermodynamic stability) performed at Invitae indicates that this missense variant is not expected to disrupt MSH6 protein function. This variant has not been reported in the literature in individuals with MSH6-related conditions. This variant is not present in population databases (ExAC no frequency). This sequence change replaces proline with serine at codon 233 of the MSH6 protein (p.Pro233Ser). The proline residue is weakly conserved and there is a moderate physicochemical difference between proline and serine.